The following is an entry in ClinVar:

ClinVar aggregate classification (germline): Likely benign (1 of 4 stars; one submission).

Allele frequency attached by ClinVar (database versions not stated): gnomAD 0.00001; gnomAD exomes 0.00001; ExAC 0.00002; TOPMed 0.00003.
gnomAD v4.1: 11 of 1,609,234 alleles (0.00068%); highest among the groups gnomAD compares: South Asian, 0.0044%; no homozygotes.

Submission:

CeGaT Center for Human Genetics Tuebingen
Classification: Likely benign. Last evaluated: 2022-10-01. Review status: criteria provided, single submitter. Criteria: CeGaT Center For Human Genetics Tuebingen Variant Classification Criteria Version 2. Collection method: clinical testing. Allele origin: germline. Affected: yes. Observed: 1 variant allele.
Comment: ABCA2: BP4, BP7

NM_001606.5(ABCA2):c.4350C>T (p.Cys1450=)

Gene: ABCA2 (ATP binding cassette subfamily A member 2; minus strand). Cytogenetic location: 9q34.3.
Variant type: single nucleotide variant.
Coding change: c.4350C>T on transcript NM_001606.5 (MANE Select); coding-DNA position 4350, C replaced by T.
Protein change: p.Cys1450=; no amino-acid change (cysteine 1450 retained).
Molecular consequence: synonymous variant.
Genome position (GRCh38, 1-based): chr9:137,013,929, G>A on the plus strand (C>T on the coding strand, the complement: ABCA2 is on the minus strand). VCF-style: chr9-137013929-G-A. GRCh37 (hg19) VCF-style: chr9-139908381-G-A.
Other names: c.4347C>T, p.Cys1449= (NM_001411042.1); c.4440C>T, p.Cys1480= (NM_212533.3).
Identifiers: ClinVar variation 2659777 (VCV002659777.24), dbSNP rs768066264, ClinGen allele CA5354421.